The following is an entry in ClinVar:

ClinVar aggregate classification (germline): Uncertain significance (1 of 4 stars; one submission).

Conditions:
Tenorio syndrome (TNORS). Also called: OVERGROWTH, MACROCEPHALY, AND INTELLECTUAL DISABILITY SYNDROME. Identifiers: MedGen C4015710, MONDO:0014553, OMIM 616260.

Submission:

Labcorp Genetics (formerly Invitae), Labcorp
Classification: Uncertain significance for Tenorio syndrome. Last evaluated: 2025-07-29. Review status: criteria provided, single submitter. Criteria: Invitae Variant Classification Sherloc (09022015). Collection method: clinical testing. Allele origin: germline.
Comment: This sequence change replaces serine, which is neutral and polar, with asparagine, which is neutral and polar, at codon 110 of the RNF125 protein (p.Ser110Asn). This variant is not present in population databases (gnomAD no frequency). This variant has not been reported in the literature in individuals affected with RNF125-related conditions. An algorithm developed to predict the effect of missense changes on protein structure and function (PolyPhen-2) suggests that this variant is likely to be tolerated. In summary, the available evidence is currently insufficient to determine the role of this variant in disease. Therefore, it has been classified as a Variant of Uncertain Significance.

NM_017831.4(RNF125):c.329G>A (p.Ser110Asn)

Gene: RNF125 (ring finger protein 125; plus strand). Cytogenetic location: 18q12.1.
Variant type: single nucleotide variant.
Coding change: c.329G>A on transcript NM_017831.4 (MANE Select); coding-DNA position 329, G replaced by A.
Protein change: p.Ser110Asn; replaces serine 110 with asparagine.
Molecular consequence: missense variant.
Genome position (GRCh38, 1-based): chr18:32,042,189, G>A. VCF-style: chr18-32042189-G-A. GRCh37 (hg19) VCF-style: chr18-29622152-G-A.
Other names: c.329G>A, p.Ser110Asn (NM_001436860.1, NM_001436861.1); short protein forms S110N.
Identifiers: ClinVar variation 4716081 (VCV004716081.1).
Genomic context (GRCh38, chr18:32,042,189, plus strand): 5'-ATTGAGCCCTTTTTTAACAGTGAGTTTATTTTGAATTTGTTTTTATGTAGGTTTGCCTCA[G>A]TGAAATGAGGGCACATATTCGGACTTGTCAGAAGTACATAGATAAGTATGGACCACTACA-3'
Protein context (NP_060301.2, residues 100-120): CAECDTLVCL[Ser110Asn]EMRAHIRTCQ